The following is an entry in ClinVar:

NM_005585.5(SMAD6):c.701A>C (p.Asp234Ala)

Gene: SMAD6 (SMAD family member 6; plus strand). Cytogenetic location: 15q22.31.
Variant type: single nucleotide variant.
Coding change: c.701A>C on transcript NM_005585.5 (MANE Select); coding-DNA position 701, A replaced by C.
Protein change: p.Asp234Ala; replaces aspartic acid 234 with alanine.
Molecular consequence: missense variant. On other transcripts: non-coding transcript variant (1).
Genome position (GRCh38, 1-based): chr15:66,703,959, A>C. VCF-style: chr15-66703959-A-C. GRCh37 (hg19) VCF-style: chr15-66996297-A-C.
Other names: short protein forms D234A.
Identifiers: ClinVar variation 3224804 (VCV003224804.1), dbSNP rs757580145, ClinGen allele CA392950068.

ClinVar aggregate classification (germline): Uncertain significance (1 of 4 stars; one submission).

Conditions:
Inborn genetic diseases. Identifiers: MedGen C0950123, MeSH D030342.

Submission:

Ambry Genetics
Classification: Uncertain significance for Inborn genetic diseases. Last evaluated: 2023-12-23. Review status: criteria provided, single submitter. Criteria: Ambry Variant Classification Scheme 2023. Collection method: clinical testing. Allele origin: germline.
Comment: The p.D234A variant (also known as c.701A>C), located in coding exon 1 of the SMAD6 gene, results from an A to C substitution at nucleotide position 701. The aspartic acid at codon 234 is replaced by alanine, an amino acid with dissimilar properties. This amino acid position is conserved. In addition, the in silico prediction for this alteration is inconclusive. Since supporting evidence is limited at this time, the clinical significance of this alteration remains unclear.